The following is an entry in ClinVar:

NM_002547.3(OPHN1):c.2102C>T (p.Thr701Ile)

Gene: OPHN1 (oligophrenin 1; minus strand). Cytogenetic location: Xq12.
Variant type: single nucleotide variant.
Coding change: c.2102C>T on transcript NM_002547.3 (MANE Select); coding-DNA position 2102, C replaced by T.
Protein change: p.Thr701Ile; replaces threonine 701 with isoleucine.
Molecular consequence: missense variant.
Genome position (GRCh38, 1-based): chrX:68,063,910, G>A on the plus strand (C>T on the coding strand, the complement: OPHN1 is on the minus strand). VCF-style: chrX-68063910-G-A. GRCh37 (hg19) VCF-style: chrX-67283752-G-A.
Other names: c.2102C>T (NM_002547.2); short protein forms T701I.
Identifiers: ClinVar variation 2069989 (VCV002069989.5), dbSNP rs1343441591, ClinGen allele CA413430235.

ClinVar aggregate classification (germline): Uncertain significance. Review status: criteria provided, multiple submitters, no conflicts (2 of 4 stars). 2 submissions from 2 submitters: Uncertain significance (2). Last evaluated 2025-09-10.

Conditions:
Inborn genetic diseases. Identifiers: MedGen C0950123, MeSH D030342.

Allele frequency attached by ClinVar (database versions not stated): TOPMed 0.00003; gnomAD 0.00004.
gnomAD v4.1: 17 of 1,187,141 alleles (0.0014%); highest among the groups gnomAD compares: Non-Finnish European, 0.0019%; no homozygotes.

Submissions (2):

Ambry Genetics
Classification: Uncertain significance for Inborn genetic diseases. Last evaluated: 2025-09-10. Review status: criteria provided, single submitter. Criteria: Ambry Variant Classification Scheme 2023. Collection method: clinical testing. Allele origin: germline.

Labcorp Genetics (formerly Invitae), Labcorp
Classification: Uncertain significance. Last evaluated: 2022-06-23. Review status: criteria provided, single submitter. Criteria: Invitae Variant Classification Sherloc (09022015). Collection method: clinical testing. Allele origin: germline.
Comment: This sequence change replaces threonine, which is neutral and polar, with isoleucine, which is neutral and non-polar, at codon 701 of the OPHN1 protein (p.Thr701Ile). This variant is present in population databases (no rsID available, gnomAD 0.005%), including at least one homozygous and/or hemizygous individual. This variant has not been reported in the literature in individuals affected with OPHN1-related conditions. Algorithms developed to predict the effect of missense changes on protein structure and function output the following: SIFT: "Tolerated"; PolyPhen-2: "Benign"; Align-GVGD: "Class C0". The isoleucine amino acid residue is found in multiple mammalian species, which suggests that this missense change does not adversely affect protein function. In summary, the available evidence is currently insufficient to determine the role of this variant in disease. Therefore, it has been classified as a Variant of Uncertain Significance.